The following is an entry in ClinVar:

ClinVar aggregate classification (germline): Pathogenic (1 of 4 stars; one submission).

Conditions:
Vici syndrome (VICIS). Identifiers: Orphanet 1493, MedGen C1855772, MONDO:0009452, OMIM 242840.

Submission:

Labcorp Genetics (formerly Invitae), Labcorp
Classification: Pathogenic for Vici syndrome. Last evaluated: 2025-12-08. Review status: criteria provided, single submitter. Criteria: Invitae Variant Classification Sherloc (09022015). Collection method: clinical testing. Allele origin: germline.
Comment: This sequence change creates a premature translational stop signal (p.Asn1262Thrfs*10) in the EPG5 gene. It is expected to result in an absent or disrupted protein product. Loss-of-function variants in EPG5 are known to be pathogenic (PMID: 23222957, 23674064, 40192014). This variant is present in population databases (no rsID available, gnomAD 0.0009%). This variant has not been reported in the literature in individuals affected with EPG5-related conditions. ClinVar contains an entry for this variant (Variation ID: 2747288). For these reasons, this variant has been classified as Pathogenic.

Literature cited by the submitters: PubMed 23222957; PubMed 23674064; PubMed 40192014.

NM_020964.3(EPG5):c.3785del (p.Asn1262fs)

Gene: EPG5 (ectopic P-granules 5 autophagy tethering factor; minus strand). Cytogenetic location: 18q21.1.
Variant type: Deletion.
Coding change: c.3785del on transcript NM_020964.3 (MANE Select); coding-DNA position 3785, one base deleted (A; older notation c.3785delA).
Protein change: p.Asn1262fs; shifts the reading frame from asparagine 1262.
Molecular consequence: frameshift variant.
Genome position (GRCh38, 1-based): chr18:45,913,737, T deleted on the plus strand (A on the coding strand, the reverse complement: EPG5 is on the minus strand); the first of 3 consecutive T bases (chr18:45,913,737-45,913,739); deleting any one gives the same sequence. VCF-style (leftmost placement, unchanged base first): chr18-45913736-GT-G. GRCh37 (hg19) VCF-style: chr18-43493701-GT-G.
Other names: c.3785del, p.Asn1262fs (NM_001410858.1, NM_001410859.1); short protein forms N1262fs.
Identifiers: ClinVar variation 2747288 (VCV002747288.3), dbSNP rs1375860129, ClinGen allele CA629481199.